The following is an entry in ClinVar:

NM_000466.3(PEX1):c.1360-9T>C

Gene: PEX1 (peroxisomal biogenesis factor 1; minus strand). Cytogenetic location: 7q21.2.
Variant type: single nucleotide variant.
Coding change: c.1360-9T>C on transcript NM_000466.3 (MANE Select); 9 bases into the intron before coding-DNA position 1360, T replaced by C.
Molecular consequence: intron variant.
Genome position (GRCh38, 1-based): chr7:92,511,712, A>G on the plus strand (T>C on the coding strand, the complement: PEX1 is on the minus strand). VCF-style: chr7-92511712-A-G. GRCh37 (hg19) VCF-style: chr7-92141026-A-G.
Other names: c.1360-9T>C (NM_001282677.2); c.736-9T>C (NM_001282678.2).
Identifiers: ClinVar variation 4985033 (VCV004985033.1).
Genomic context (GRCh38, chr7:92,511,712, plus strand): 5'-GTAGCCATGAATAAAATACAGTTTTTATGTCTTCTTCACTTATGTCTTTAGGCTGCCAGA[A>G]AAAGGAATAGTAATGAATTATCCTCATATCTGAACTTAACTTTAACACCCTTATTTTAAC-3'

ClinVar aggregate classification (germline): Likely benign (1 of 4 stars; one submission).

Conditions:
PEX1-related disorder. Also called: PEX1-related condition.

Submission:

PreventionGenetics, part of Exact Sciences
Classification: Likely benign for PEX1-related condition. Last evaluated: 2025-02-04. Review status: criteria provided, single submitter. Criteria: ACMG Guidelines, 2015. Collection method: clinical testing. Allele origin: germline.
Comment: This variant is classified as likely benign based on ACMG/AMP sequence variant interpretation guidelines (Richards et al. 2015 PMID: 25741868, with internal and published modifications).